The following is an entry in ClinVar:

ClinVar aggregate classification (germline): Likely pathogenic (1 of 4 stars; one submission).

Conditions:
Ehlers-Danlos syndrome, classic type, 1 (EDSCL1). Also called: Ehlers-Danlos Syndrome, Classic Type, COL5A1-Related; EDS I; EHLERS-DANLOS SYNDROME, GRAVIS TYPE; EHLERS-DANLOS SYNDROME, SEVERE CLASSIC TYPE; Ehlers-Danlos syndrome, type 1. Identifiers: MedGen C0268335, MONDO:0019567, OMIM 130000.

Submission:

3billion
Classification: Likely pathogenic for Ehlers-Danlos syndrome, classic type, 1. Last evaluated: 2025-08-19. Review status: criteria provided, single submitter. Criteria: ACMG Guidelines, 2015. Collection method: clinical testing. Allele origin: germline. Affected: yes.
Comment: The variant is not observed in the gnomAD v4.1.0 dataset. Predicted Consequence/Location: Frameshift: predicted to result in a loss or disruption of normal protein function through nonsense-mediated decay (NMD) or protein truncation. Multiple pathogenic variants are reported downstream of the variant. Therefore, this variant is classified as Likely pathogenic according to the recommendation of ACMG/AMP guideline.

NM_000093.5(COL5A1):c.4525del (p.Gln1509fs)

Genes: COL5A1 (collagen type V alpha 1 chain; plus strand), LOC101448202 (uncharacterized LOC101448202; minus strand). Cytogenetic location: 9q34.3.
Variant type: Deletion.
Coding change: c.4525del on transcript NM_000093.5 (MANE Select); coding-DNA position 4525, one base deleted (C; older notation c.4525delC).
Protein change: p.Gln1509fs; shifts the reading frame from glutamine 1509.
Molecular consequence: frameshift variant. On other transcripts: non-coding transcript variant (1).
Genome position (GRCh38, 1-based): chr9:134,820,194, C deleted; the last of 5 consecutive C bases (chr9:134,820,190-134,820,194); deleting any one gives the same sequence. VCF-style (leftmost placement, unchanged base first): chr9-134820189-GC-G. GRCh37 (hg19) VCF-style: chr9-137712035-GC-G.
Other names: c.4525del, p.Gln1509fs (NM_001278074.1); short protein forms Q1509fs.
Identifiers: ClinVar variation 4854268 (VCV004854268.1).
Genomic context (GRCh38, chr9:134,820,189, plus strand): 5'-TGATCGGGCTCATCGGTCCTCCGGGTGAACAGGGTGAGAAGGGCGACCGTGGTCTCCCTG[GC>G]CCCCAGGGCTCCTCCGGTCCTAAGGGAGAACAGGTGCGTGAGATGGCACTTCTTGCATGT-3'